The following is an entry in ClinVar:

NM_015512.5(DNAH1):c.5156T>A (p.Leu1719His)

Gene: DNAH1 (dynein axonemal heavy chain 1; plus strand). Cytogenetic location: 3p21.1.
Variant type: single nucleotide variant.
Coding change: c.5156T>A on transcript NM_015512.5 (MANE Select); coding-DNA position 5156, T replaced by A.
Protein change: p.Leu1719His; replaces leucine 1719 with histidine.
Molecular consequence: missense variant.
Genome position (GRCh38, 1-based): chr3:52,363,056, T>A. VCF-style: chr3-52363056-T-A. GRCh37 (hg19) VCF-style: chr3-52397072-T-A.
Other names: short protein forms L1719H.
Identifiers: ClinVar variation 2050014 (VCV002050014.4), dbSNP rs2471213684, ClinGen allele CA353139916.
Genomic context (GRCh38, chr3:52,363,056, plus strand): 5'-CGCTCTTCCGACCCGTGGCCATGATGGTTCCAGATTACGCCATGATCACTGAGATCTCCC[T>A]CTATTCCTTTGGCTTTAATGAGGCCAGTGTGCTGGCTAAGAAGATCACAACCACCTTCAA-3'
Protein context (NP_056327.4, residues 1709-1729): PDYAMITEIS[Leu1719His]YSFGFNEASV

ClinVar aggregate classification (germline): Uncertain significance (1 of 4 stars; one submission).

Conditions:
Spermatogenic failure 18. Identifiers: MedGen C4539783, MONDO:0054615, OMIM 617576.
Ciliary dyskinesia, primary, 37 (CILD37). Also called: CILIARY DYSKINESIA, PRIMARY, 37, WITH OR WITHOUT SITUS INVERSUS. Identifiers: MedGen C4539798, MONDO:0033204, OMIM 617577.

Submission:

Labcorp Genetics (formerly Invitae), Labcorp
Classification: Uncertain significance for Ciliary dyskinesia, primary, 37; Spermatogenic failure 18. Last evaluated: 2022-03-04. Review status: criteria provided, single submitter. Criteria: Invitae Variant Classification Sherloc (09022015). Collection method: clinical testing. Allele origin: germline.
Comment: This variant has not been reported in the literature in individuals affected with DNAH1-related conditions. Algorithms developed to predict the effect of missense changes on protein structure and function are either unavailable or do not agree on the potential impact of this missense change (SIFT: "Deleterious"; PolyPhen-2: "Probably Damaging"; Align-GVGD: "Class C0"). In summary, the available evidence is currently insufficient to determine the role of this variant in disease. Therefore, it has been classified as a Variant of Uncertain Significance. This variant is not present in population databases (gnomAD no frequency). This sequence change replaces leucine, which is neutral and non-polar, with histidine, which is basic and polar, at codon 1719 of the DNAH1 protein (p.Leu1719His).